The following is an entry in ClinVar:

ClinVar aggregate classification (germline): Uncertain significance (1 of 4 stars; one submission).

Conditions:
Hereditary cancer-predisposing syndrome. Also called: Neoplastic Syndromes, Hereditary; Tumor predisposition; Hereditary neoplastic syndrome; Hereditary Cancer Syndrome. Identifiers: Orphanet 140162, MedGen C0027672, MeSH D009386, MONDO:0015356.

gnomAD v4.1: 1 of 1,613,828 alleles (0.000062%); highest among the groups gnomAD compares: Admixed American, 0.0017%; no homozygotes.

Submission:

Ambry Genetics
Classification: Uncertain significance for Hereditary cancer-predisposing syndrome. Last evaluated: 2026-06-30. Review status: criteria provided, single submitter. Criteria: Ambry Variant Classification Scheme 2023. Collection method: clinical testing. Allele origin: germline.
Comment: The p.P384S variant (also known as c.1150C>T), located in coding exon 6 of the RET gene, results from a C to T substitution at nucleotide position 1150. The proline at codon 384 is replaced by serine, an amino acid with similar properties. This amino acid position is well conserved in available vertebrate species. In addition, this alteration is predicted to be tolerated by in silico analysis. Based on the available evidence, the clinical significance of this variant remains unclear.

NM_020975.6(RET):c.1150C>T (p.Pro384Ser)

Gene: RET (ret proto-oncogene; plus strand). Cytogenetic location: 10q11.21.
Variant type: single nucleotide variant.
Coding change: c.1150C>T on transcript NM_020975.6 (MANE Select); coding-DNA position 1150, C replaced by T.
Protein change: p.Pro384Ser; replaces proline 384 with serine.
Molecular consequence: missense variant. On other transcripts: intron variant (18).
Genome position (GRCh38, 1-based): chr10:43,109,117, C>T. VCF-style: chr10-43109117-C-T. GRCh37 (hg19) VCF-style: chr10-43604565-C-T.
Other names: c.388C>T, p.Pro130Ser (NM_001355216.2); c.1150C>T, p.Pro384Ser (NM_001406743.1, NM_001406744.1, NM_001406759.1 and 4 more transcripts); c.1021C>T, p.Pro341Ser (NM_001406761.1, NM_001406762.1, NM_001406764.1 and 1 more transcripts); c.862C>T, p.Pro288Ser (NM_001406766.1, NM_001406767.1, NM_001406770.1); c.868-2090C>T (NM_001406772.1, NM_001406769.1); c.626-2982C>T (NM_001406782.1, NM_001406780.1, NM_001406779.1 and 3 more transcripts); c.739-2090C>T (NM_001406774.1); c.497-2982C>T (NM_001406786.1, NM_001406783.1); and 5 more; short protein forms P341S, P238S, P288S, P54S, P130S, P142S, P384S.
Identifiers: ClinVar variation 5028162 (VCV005028162.1).